The following is an entry in ClinVar:

NM_001134407.3(GRIN2A):c.1901G>A (p.Trp634Ter)

Gene: GRIN2A (glutamate ionotropic receptor NMDA type subunit 2A; minus strand). Cytogenetic location: 16p13.2.
Variant type: single nucleotide variant.
Coding change: c.1901G>A on transcript NM_001134407.3 (MANE Select); coding-DNA position 1901, G replaced by A.
Protein change: p.Trp634Ter; replaces tryptophan 634 with a stop codon.
Molecular consequence: nonsense.
Genome position (GRCh38, 1-based): chr16:9,829,529, C>T on the plus strand (G>A on the coding strand, the complement: GRIN2A is on the minus strand). VCF-style: chr16-9829529-C-T. GRCh37 (hg19) VCF-style: chr16-9923386-C-T.
Other names: c.1901G>A, p.Trp634Ter (NM_000833.5, NM_001134408.2); short protein forms W634*.
Identifiers: ClinVar variation 532718 (VCV000532718.7), dbSNP rs1555492769, ClinGen allele CA394799494.

ClinVar aggregate classification (germline): Pathogenic (1 of 4 stars; one submission).

Conditions:
Landau-Kleffner syndrome (FESD). Also called: EPILEPSY, FOCAL, WITH SPEECH DISORDER AND WITH OR WITHOUT MENTAL RETARDATION; APHASIA, ACQUIRED, WITH EPILEPSY. Identifiers: Orphanet 1945, Orphanet 725, Orphanet 98818, MedGen C0282512, MONDO:0009509, OMIM 245570.

Submission:

Labcorp Genetics (formerly Invitae), Labcorp
Classification: Pathogenic for Landau-Kleffner syndrome. Last evaluated: 2022-08-16. Review status: criteria provided, single submitter. Criteria: Invitae Variant Classification Sherloc (09022015). Collection method: clinical testing. Allele origin: germline.
Comment: Algorithms developed to predict the effect of sequence changes on RNA splicing suggest that this variant may create or strengthen a splice site. For these reasons, this variant has been classified as Pathogenic. ClinVar contains an entry for this variant (Variation ID: 532718). This variant has not been reported in the literature in individuals affected with GRIN2A-related conditions. This variant is not present in population databases (gnomAD no frequency). This sequence change creates a premature translational stop signal (p.Trp634*) in the GRIN2A gene. It is expected to result in an absent or disrupted protein product. Loss-of-function variants in GRIN2A are known to be pathogenic (PMID: 23933819, 23933820).

Literature cited by the submitters: PubMed 23933819; PubMed 23933820.